The following is an entry in ClinVar:

NM_000535.7(PMS2):c.545C>G (p.Ala182Gly)

Gene: PMS2 (PMS1 homolog 2, mismatch repair system component; minus strand). Cytogenetic location: 7p22.1.
Variant type: single nucleotide variant.
Coding change: c.545C>G on transcript NM_000535.7 (MANE Select); coding-DNA position 545, C replaced by G.
Protein change: p.Ala182Gly; replaces alanine 182 with glycine.
Molecular consequence: missense variant. On other transcripts: non-coding transcript variant (1), intron variant (3).
Genome position (GRCh38, 1-based): chr7:5,999,268, G>C on the plus strand (C>G on the coding strand, the complement: PMS2 is on the minus strand). VCF-style: chr7-5999268-G-C. GRCh37 (hg19) VCF-style: chr7-6038899-G-C.
Other names: c.140C>G, p.Ala47Gly (NM_001322003.2, NM_001322004.2, NM_001322005.2 and 2 more transcripts); c.545C>G, p.Ala182Gly (NM_001322006.2, NM_001322014.2); c.227C>G, p.Ala76Gly (NM_001322007.2, NM_001322008.2); c.236C>G, p.Ala79Gly (NM_001322015.2); c.133-1845C>G (NM_001322013.2); c.-347-42C>G (NM_001322012.2, NM_001322011.2); short protein forms A182G, A47G, A76G, A79G.
Identifiers: ClinVar variation 934833 (VCV000934833.9), dbSNP rs1562679272, ClinGen allele CA366744123.

ClinVar aggregate classification (germline): Uncertain significance (1 of 4 stars; one submission).

Conditions:
Hereditary nonpolyposis colorectal neoplasms. Identifiers: MedGen C0009405, MeSH D003123.

Submission:

Labcorp Genetics (formerly Invitae), Labcorp
Classification: Uncertain significance for Hereditary nonpolyposis colorectal neoplasms. Last evaluated: 2020-10-12. Review status: criteria provided, single submitter. Criteria: Invitae Variant Classification Sherloc (09022015). Collection method: clinical testing. Allele origin: germline.
Comment: In summary, the available evidence is currently insufficient to determine the role of this variant in disease. Therefore, it has been classified as a Variant of Uncertain Significance. Algorithms developed to predict the effect of missense changes on protein structure and function (SIFT, PolyPhen-2, Align-GVGD) all suggest that this variant is likely to be tolerated, but these predictions have not been confirmed by published functional studies and their clinical significance is uncertain. This variant has not been reported in the literature in individuals with PMS2-related conditions. This sequence change replaces alanine with glycine at codon 182 of the PMS2 protein (p.Ala182Gly). The alanine residue is weakly conserved and there is a small physicochemical difference between alanine and glycine. This variant is not present in population databases (ExAC no frequency).